The following is an entry in ClinVar:

ClinVar aggregate classification (germline): Uncertain significance. Review status: criteria provided, multiple submitters, no conflicts (2 of 4 stars). 2 submissions from 2 submitters: Uncertain significance (2). Last evaluated 2024-05-03.

Conditions:
Hereditary cancer-predisposing syndrome. Also called: Neoplastic Syndromes, Hereditary; Tumor predisposition; Hereditary Cancer Syndrome; Hereditary neoplastic syndrome. Identifiers: Orphanet 140162, MedGen C0027672, MeSH D009386, MONDO:0015356.

Allele frequency attached by ClinVar (database versions not stated): TOPMed below 0.00001.

Submissions (2):

Color Diagnostics, LLC DBA Color Health
Classification: Uncertain significance for Hereditary cancer-predisposing syndrome. Last evaluated: 2024-05-03. Review status: criteria provided, single submitter. Criteria: ACMG Guidelines, 2015. Collection method: clinical testing. Allele origin: germline.
Comment: This missense variant replaces asparagine with serine at codon 1010 of the ATM protein. Computational prediction suggests that this variant may not impact protein structure and function. To our knowledge, functional studies have not been reported for this variant. This variant has not been reported in individuals affected with ATM-related disorders in the literature. This variant has not been identified in the general population by the Genome Aggregation Database (gnomAD). The available evidence is insufficient to determine the role of this variant in disease conclusively. Therefore, this variant is classified as a Variant of Uncertain Significance.

Ambry Genetics
Classification: Uncertain significance for Hereditary cancer-predisposing syndrome. Last evaluated: 2020-01-07. Review status: criteria provided, single submitter. Criteria: Ambry Variant Classification Scheme 2023. Collection method: clinical testing. Allele origin: germline.
Comment: The p.N1010S variant (also known as c.3029A>G), located in coding exon 19 of the ATM gene, results from an A to G substitution at nucleotide position 3029. The asparagine at codon 1010 is replaced by serine, an amino acid with highly similar properties. This amino acid position is not well conserved in available vertebrate species. In addition, this alteration is predicted to be tolerated by in silico analysis. Since supporting evidence is limited at this time, the clinical significance of this alteration remains unclear.

NM_000051.4(ATM):c.3029A>G (p.Asn1010Ser)

Gene: ATM (ATM serine/threonine kinase; plus strand). Cytogenetic location: 11q22.3.
Variant type: single nucleotide variant.
Coding change: c.3029A>G on transcript NM_000051.4 (MANE Select); coding-DNA position 3029, A replaced by G.
Protein change: p.Asn1010Ser; replaces asparagine 1010 with serine.
Molecular consequence: missense variant.
Genome position (GRCh38, 1-based): chr11:108,271,358, A>G. VCF-style: chr11-108271358-A-G. GRCh37 (hg19) VCF-style: chr11-108142085-A-G.
Other names: c.3029A>G, p.Asn1010Ser (NM_001351834.2); short protein forms N1010S.
Identifiers: ClinVar variation 1798989 (VCV001798989.3), dbSNP rs2081573721, ClinGen allele CA382547523.